The following is an entry in ClinVar:

NM_005909.5(MAP1B):c.910G>A (p.Val304Met)

Gene: MAP1B (microtubule associated protein 1B; plus strand). Cytogenetic location: 5q13.2.
Variant type: single nucleotide variant.
Coding change: c.910G>A on transcript NM_005909.5 (MANE Select); coding-DNA position 910, G replaced by A.
Protein change: p.Val304Met; replaces valine 304 with methionine.
Molecular consequence: missense variant.
Genome position (GRCh38, 1-based): chr5:72,194,265, G>A. VCF-style: chr5-72194265-G-A. GRCh37 (hg19) VCF-style: chr5-71490092-G-A.
Other names: c.532G>A, p.Val178Met (NM_001324255.2); short protein forms V178M, V304M.
Identifiers: ClinVar variation 2662115 (VCV002662115.2), dbSNP rs749063436, ClinGen allele CA3298589.

ClinVar aggregate classification (germline): Uncertain significance (1 of 4 stars; one submission).

Allele frequency attached by ClinVar (database versions not stated): ExAC 0.00001.
gnomAD v4.1: 1 of 1,614,186 alleles (0.000062%); highest among the groups gnomAD compares: Non-Finnish European, 0.000085%; no homozygotes.

Submission:

GeneDx
Classification: Uncertain significance. Last evaluated: 2026-02-18. Review status: criteria provided, single submitter. Criteria: GeneDx Variant Classification Process June 2021. Collection method: clinical testing. Allele origin: germline.
Comment: Not observed at significant frequency in large population cohorts (gnomAD); In silico analysis suggests that this missense variant does not alter protein structure/function; Has not been previously published as pathogenic or benign to our knowledge